The following is an entry in ClinVar:

ClinVar aggregate classification (germline): Uncertain significance. Review status: criteria provided, multiple submitters, no conflicts (2 of 4 stars). 2 submissions from 2 submitters: Uncertain significance (2). Last evaluated 2023-11-29.

Conditions:
Left ventricular noncompaction 1 (LVNC1). Also called: LEFT VENTRICULAR NONCOMPACTION 1 WITH OR WITHOUT CONGENITAL HEART DEFECTS. Identifiers: Orphanet 54260, MedGen C1858725, MONDO:0011403, OMIM 604169.

gnomAD v4.1: 2 of 1,614,042 alleles (0.00012%); highest among the groups gnomAD compares: Non-Finnish European, 0.000085%; no homozygotes.

Submissions (2):

Blueprint Genetics
Classification: Uncertain significance. Last evaluated: 2023-11-29. Review status: criteria provided, single submitter. Criteria: ACMG Guidelines, 2015. Collection method: clinical testing. Allele origin: germline.

Labcorp Genetics (formerly Invitae), Labcorp
Classification: Uncertain significance for Left ventricular noncompaction 1. Last evaluated: 2023-08-07. Review status: criteria provided, single submitter. Criteria: Invitae Variant Classification Sherloc (09022015). Collection method: clinical testing. Allele origin: germline.
Comment: This sequence change replaces arginine, which is basic and polar, with leucine, which is neutral and non-polar, at codon 691 of the DTNA protein (p.Arg691Leu). This variant is present in population databases (no rsID available, gnomAD 0.004%). This variant has not been reported in the literature in individuals affected with DTNA-related conditions. An algorithm developed to predict the effect of missense changes on protein structure and function (PolyPhen-2) suggests that this variant is likely to be tolerated. In summary, the available evidence is currently insufficient to determine the role of this variant in disease. Therefore, it has been classified as a Variant of Uncertain Significance.

NM_001386795.1(DTNA):c.2153G>T (p.Arg718Leu)

Gene: DTNA (dystrobrevin alpha; plus strand). Cytogenetic location: 18q12.1.
Variant type: single nucleotide variant.
Coding change: c.2153G>T on transcript NM_001386795.1 (MANE Select); coding-DNA position 2153, G replaced by T.
Protein change: p.Arg718Leu; replaces arginine 718 with leucine.
Molecular consequence: missense variant.
Genome position (GRCh38, 1-based): chr18:34,879,710, G>T. VCF-style: chr18-34879710-G-T. GRCh37 (hg19) VCF-style: chr18-32459674-G-T.
Other names: c.1892G>T, p.Arg631Leu (NM_001198938.2, NM_001198940.2, NM_001386753.1 and 5 more transcripts); c.1913G>T, p.Arg638Leu (NM_001198939.2); c.1199G>T, p.Arg400Leu (NM_001198942.1); c.1142G>T, p.Arg381Leu (NM_001198943.1); c.1028G>T, p.Arg343Leu (NM_001198944.1); c.1982G>T, p.Arg661Leu (NM_001386754.1, NM_001386755.1, NM_001386756.1 and 3 more transcripts); c.1979G>T, p.Arg660Leu (NM_001386760.1); c.1901G>T, p.Arg634Leu (NM_001386761.1, NM_032975.4); and 5 more; short protein forms R630L, R634L, R691L, R638L, R660L, R343L, R400L, R631L.
Identifiers: ClinVar variation 2971961 (VCV002971961.4), dbSNP rs111587625, ClinGen allele CA402180432.